The following is an entry in ClinVar:

ClinVar aggregate classification (germline): Benign/Likely benign. Review status: criteria provided, multiple submitters, no conflicts (2 of 4 stars). 27 submissions from 20 submitters: Benign (16); Likely benign (6). 5 of the submissions do not count toward it. Last evaluated 2026-02-03.

Conditions:
Dilated cardiomyopathy 1G (CMD1G). Identifiers: Orphanet 154, MedGen C1858763, MONDO:0011400, OMIM 604145.
Autosomal recessive limb-girdle muscular dystrophy type 2J (LGMDR10). Also called: MUSCULAR DYSTROPHY, LIMB-GIRDLE, AUTOSOMAL RECESSIVE 10; Limb-girdle muscular dystrophy, type 2J. Identifiers: Orphanet 140922, MedGen C1837342, MONDO:0012127, OMIM 608807.
Cardiovascular phenotype. Identifiers: MedGen CN230736.
Cardiomyopathy (CMYO). Also called: Cardiomyopathies. Identifiers: Orphanet 167848, MedGen C0878544, MONDO:0004994, HP:0001638. Inheritance: Various modes of inheritance.
Early-onset myopathy with fatal cardiomyopathy (CMYO5). Also called: CONGENITAL MYOPATHY 5 WITH CARDIOMYOPATHY; Salih Myopathy. Identifiers: Orphanet 289377, MedGen C2673677, MONDO:0012714, OMIM 611705. Disease mechanism: loss of function.
Myopathy, myofibrillar, 9, with early respiratory failure (MFM9). Also called: Myopathy, distal, with early respiratory failure, autosomal dominant; Hereditary myopathy with early respiratory failure; MYOPATHY, PROXIMAL, WITH EARLY RESPIRATORY MUSCLE INVOLVEMENT; EDSTROM MYOPATHY. Identifiers: Orphanet 178464, Orphanet 34521, MedGen C1863599, MONDO:0011362, OMIM 603689.
Tibial muscular dystrophy (TMD). Also called: Udd Distal Myopathy – Tibial Muscular Dystrophy; Tibial muscular dystrophy, tardive; UDD MYOPATHY. Identifiers: Orphanet 609, MedGen C1838244, MONDO:0010870, OMIM 600334.

Allele frequency attached by ClinVar (database versions not stated): gnomAD 0.00828 and 0.00758; TOPMed 0.00909; gnomAD exomes 0.00196 and 0.00079; 1000 Genomes Project 30x 0.00656; ExAC 0.00230; 1000 Genomes Project 0.00659; ESP Exome Variant Server 0.00837.

Submissions (27):

Labcorp Genetics (formerly Invitae), Labcorp
Classification: Benign for Dilated cardiomyopathy 1G; Autosomal recessive limb-girdle muscular dystrophy type 2J. Last evaluated: 2026-02-03. Review status: criteria provided, single submitter. Criteria: Invitae Variant Classification Sherloc (09022015). Collection method: clinical testing. Allele origin: germline.

Molecular Diagnostic Laboratory for Inherited Cardiovascular Disease, Montreal Heart Institute
Classification: Likely benign. Last evaluated: 2025-04-09. Review status: criteria provided, single submitter. Criteria: ACMG Guidelines, 2015. Collection method: clinical testing. Allele origin: germline. Affected: no.

ARUP Laboratories, Molecular Genetics and Genomics, ARUP Laboratories
Classification: Benign. Last evaluated: 2025-03-25. Review status: criteria provided, single submitter. Criteria: ARUP Molecular Germline Variant Investigation Process 2024. Collection method: clinical testing. Allele origin: germline.

Women's Health and Genetics/Laboratory Corporation of America, LabCorp
Classification: Likely benign. Last evaluated: 2024-03-30. Review status: criteria provided, single submitter. Criteria: LabCorp Variant Classification Summary - May 2015. Collection method: clinical testing. Allele origin: germline.

Genome-Nilou Lab
Classification: Benign for Autosomal recessive limb-girdle muscular dystrophy type 2J. Last evaluated: 2021-09-10. Review status: criteria provided, single submitter. Criteria: ACMG Guidelines, 2015. Collection method: clinical testing. Allele origin: germline. Affected: no.

Genome-Nilou Lab
Classification: Benign for Myopathy, myofibrillar, 9, with early respiratory failure. Last evaluated: 2021-09-10. Review status: criteria provided, single submitter. Criteria: ACMG Guidelines, 2015. Collection method: clinical testing. Allele origin: germline. Affected: no.

Genome-Nilou Lab
Classification: Benign for Early-onset myopathy with fatal cardiomyopathy. Last evaluated: 2021-09-10. Review status: criteria provided, single submitter. Criteria: ACMG Guidelines, 2015. Collection method: clinical testing. Allele origin: germline. Affected: no.

Genome-Nilou Lab
Classification: Benign for Tibial muscular dystrophy. Last evaluated: 2021-09-10. Review status: criteria provided, single submitter. Criteria: ACMG Guidelines, 2015. Collection method: clinical testing. Allele origin: germline. Affected: no.

Athena Diagnostics
Classification: Benign. Last evaluated: 2020-11-09. Review status: criteria provided, single submitter. Criteria: Athena Diagnostics criteria. Collection method: clinical testing. Allele origin: unknown.

Mayo Clinic Laboratories, Mayo Clinic
Classification: Benign. Last evaluated: 2018-10-12. Review status: criteria provided, single submitter. Criteria: ACMG Guidelines, 2015. Collection method: clinical testing. Allele origin: germline. Observed: 20 variant alleles.

Illumina Laboratory Services, Illumina
Classification: Benign for Tibial muscular dystrophy. Last evaluated: 2018-01-12. Review status: criteria provided, single submitter. Criteria: ICSL Variant Classification Criteria 13 December 2019. Collection method: clinical testing. Allele origin: germline.
Comment: This variant was observed in the ICSL laboratory as part of a predisposition screen in an ostensibly healthy population. It had not been previously curated by ICSL or reported in the Human Gene Mutation Database (HGMD: prior to June 1st, 2018), and was therefore a candidate for classification through an automated scoring system. Utilizing variant allele frequency, disease prevalence and penetrance estimates, and inheritance mode, an automated score was calculated to assess if this variant is too frequent to cause the disease. Based on the score and internal cut-off values, a variant classified as benign is not then subjected to further curation. The score for this variant resulted in a classification of benign for this disease.

Illumina Laboratory Services, Illumina
Classification: Likely benign for Early-onset myopathy with fatal cardiomyopathy. Last evaluated: 2018-01-12. Review status: criteria provided, single submitter. Criteria: ICSL Variant Classification Criteria 13 December 2019. Collection method: clinical testing. Allele origin: germline.
Comment: This variant was observed in the ICSL laboratory as part of a predisposition screen in an ostensibly healthy population. It had not been previously curated by ICSL or reported in the Human Gene Mutation Database (HGMD: prior to June 1st, 2018), and was therefore a candidate for classification through an automated scoring system. Utilizing variant allele frequency, disease prevalence and penetrance estimates, and inheritance mode, an automated score was calculated to assess if this variant is too frequent to cause the disease. Based on the score and internal cut-off values, a variant classified as likely benign is not then subjected to further curation. The score for this variant resulted in a classification of likely benign for this disease.

Illumina Laboratory Services, Illumina
Classification: Likely benign for Dilated cardiomyopathy 1G. Last evaluated: 2018-01-12. Review status: criteria provided, single submitter. Criteria: ICSL Variant Classification Criteria 13 December 2019. Collection method: clinical testing. Allele origin: germline.
Comment: the same text as in the submission from Illumina Laboratory Services, Illumina above.

Illumina Laboratory Services, Illumina
Classification: Benign for Myopathy, myofibrillar, 9, with early respiratory failure. Last evaluated: 2018-01-12. Review status: criteria provided, single submitter. Criteria: ICSL Variant Classification Criteria 13 December 2019. Collection method: clinical testing. Allele origin: germline.
Comment: the same text as in the submission from Illumina Laboratory Services, Illumina above.

Illumina Laboratory Services, Illumina
Classification: Likely benign for Autosomal recessive limb-girdle muscular dystrophy type 2J. Last evaluated: 2018-01-12. Review status: criteria provided, single submitter. Criteria: ICSL Variant Classification Criteria 13 December 2019. Collection method: clinical testing. Allele origin: germline.
Comment: the same text as in the submission from Illumina Laboratory Services, Illumina above.

CHEO Genetics Diagnostic Laboratory, Children's Hospital of Eastern Ontario
Classification: Benign for Cardiomyopathy. Last evaluated: 2017-09-13. Review status: criteria provided, single submitter. Criteria: ACMG Guidelines, 2015. Collection method: clinical testing. Allele origin: germline. Study: Canadian Open Genetics Repository.

Ambry Genetics
Classification: Benign for Cardiovascular phenotype. Last evaluated: 2013-09-18. Review status: criteria provided, single submitter. Criteria: Ambry Autosomal Dominant and X-Linked criteria (10/2015). Collection method: clinical testing. Allele origin: germline. Observed: 1 variant allele.

Eurofins Ntd Llc (ga)
Classification: Benign. Last evaluated: 2013-07-26. Review status: criteria provided, single submitter. Criteria: EGL Classification Definitions 2015. Collection method: clinical testing. Allele origin: germline. Observed: 1 variant allele, 1 heterozygote.

GeneDx
Classification: Benign. Last evaluated: 2013-04-17. Review status: criteria provided, single submitter. Criteria: GeneDx Variant Classification (06012015). Collection method: clinical testing. Allele origin: germline. Affected: yes.
Comment: This variant is considered likely benign or benign based on one or more of the following criteria: it is a conservative change, it occurs at a poorly conserved position in the protein, it is predicted to be benign by multiple in silico algorithms, and/or has population frequency not consistent with disease.

Laboratory for Molecular Medicine, Mass General Brigham Personalized Medicine
Classification: Benign. Last evaluated: 2012-01-09. Review status: criteria provided, single submitter. Criteria: LMM Criteria. Collection method: clinical testing. Allele origin: germline. Observed: 22 variant alleles.
Comment: Arg23872Cys in exon 275 of TTN: This variant is not expected to have clinical si gnificance because it is not located within the splice consensus sequence and ha s been identified in 0.7% (16/2286) of racially unspecified chromosomes (dbSNP r s55861600) and in 2.5% (76/3036) of African American chromosomes (NHLBI Exome Se quencing Project) from two broad, though clini cally unspecified populations.

Breakthrough Genomics
Classification: Likely benign. Review status: criteria provided, single submitter. Criteria: ACMG Guidelines, 2015. Collection method: not provided. Allele origin: germline. Inheritance: Autosomal recessive inheritance. Affected: yes.

PreventionGenetics, part of Exact Sciences
Classification: Benign. Review status: criteria provided, single submitter. Criteria: ACMG Guidelines, 2015. Collection method: clinical testing. Allele origin: germline.

Clinical Genetics DNA and cytogenetics Diagnostics Lab, Erasmus MC, Erasmus Medical Center
Classification: Benign. Review status: no assertion criteria provided. Collection method: clinical testing. Allele origin: germline. Affected: yes. Study: VKGL Data-share Consensus. Not counted in ClinVar's aggregate classification.

Clinical Genetics, Academic Medical Center
Classification: Benign. Review status: no assertion criteria provided. Collection method: clinical testing. Allele origin: germline. Affected: yes. Study: VKGL Data-share Consensus. Not counted in ClinVar's aggregate classification.

Diagnostic Laboratory, Department of Genetics, University Medical Center Groningen
Classification: Likely benign. Review status: no assertion criteria provided. Collection method: clinical testing. Allele origin: germline. Affected: yes. Study: VKGL Data-share Consensus. Not counted in ClinVar's aggregate classification.

Joint Genome Diagnostic Labs from Nijmegen and Maastricht, Radboudumc and MUMC+
Classification: Benign. Review status: no assertion criteria provided. Collection method: clinical testing. Allele origin: germline. Affected: yes. Study: VKGL Data-share Consensus. Not counted in ClinVar's aggregate classification.

Laboratory of Diagnostic Genome Analysis, Leiden University Medical Center (LUMC)
Classification: Likely benign. Review status: no assertion criteria provided. Collection method: clinical testing. Allele origin: germline. Affected: yes. Study: VKGL Data-share Consensus. Not counted in ClinVar's aggregate classification.

NM_001267550.2(TTN):c.79318C>T (p.Arg26440Cys)

Genes: TTN (titin; minus strand), TTN-AS1 (TTN antisense RNA 1; plus strand). Cytogenetic location: 2q31.2.
Variant type: single nucleotide variant.
Coding change: c.79318C>T on transcript NM_001267550.2 (MANE Select); coding-DNA position 79318, C replaced by T.
Protein change: p.Arg26440Cys; replaces arginine 26440 with cysteine.
Molecular consequence: missense variant.
Genome position (GRCh38, 1-based): chr2:178,566,814, G>A on the plus strand (C>T on the coding strand, the complement: TTN is on the minus strand). VCF-style: chr2-178566814-G-A. GRCh37 (hg19) VCF-style: chr2-179431541-G-A.
Other names: p.R24799C:CGC>TGC; c.74395C>T, p.Arg24799Cys (NM_001256850.1); c.52123C>T, p.Arg17375Cys (NM_003319.4); c.71614C>T, p.Arg23872Cys (NM_133378.4); c.52498C>T, p.Arg17500Cys (NM_133432.3); c.52699C>T, p.Arg17567Cys (NM_133437.4); short protein forms R26440C, R23872C, R24799C, R17375C, R17500C, R17567C.
Identifiers: ClinVar variation 47374 (VCV000047374.53), dbSNP rs55861600, ClinGen allele CA283823.